The following is an entry in ClinVar:

NM_000368.5(TSC1):c.2551C>T (p.Gln851Ter)

Gene: TSC1 (TSC complex subunit 1; minus strand). Cytogenetic location: 9q34.13.
Variant type: single nucleotide variant.
Coding change: c.2551C>T on transcript NM_000368.5 (MANE Select); coding-DNA position 2551, C replaced by T.
Protein change: p.Gln851Ter; replaces glutamine 851 with a stop codon.
Molecular consequence: nonsense.
Genome position (GRCh38, 1-based): chr9:132,900,789, G>A on the plus strand (C>T on the coding strand, the complement: TSC1 is on the minus strand). VCF-style: chr9-132900789-G-A. GRCh37 (hg19) VCF-style: chr9-135776176-G-A.
Other names: c.2548C>T, p.Gln850Ter (NM_001162426.2); c.2398C>T, p.Gln800Ter (NM_001162427.2); c.2188C>T, p.Gln730Ter (NM_001362177.2); short protein forms Q851*, Q850*, Q730*, Q800*.
Identifiers: ClinVar variation 821464 (VCV000821464.12), dbSNP rs1588297391, ClinGen allele CA375370147.
Genomic context (GRCh38, chr9:132,900,789, plus strand): 5'-AGTGCTTGTTCTGCAGTTGTTCCAAATAGAGCTCGTTGACCTCCCCAAGAACCAACAGCT[G>A]CCTGTTCAAGAACTCCATCTGCTGCTGGACCGACTCACTGTTTGAGAGCTAACCAAAAAA-3'

ClinVar aggregate classification (germline): Pathogenic. Review status: criteria provided, multiple submitters, no conflicts (2 of 4 stars). 2 submissions from 2 submitters: Pathogenic (2). Last evaluated 2023-10-29.

Conditions:
Hereditary cancer-predisposing syndrome. Also called: Hereditary Cancer Syndrome; Neoplastic Syndromes, Hereditary; Hereditary neoplastic syndrome; Tumor predisposition. Identifiers: Orphanet 140162, MedGen C0027672, MeSH D009386, MONDO:0015356.
Tuberous sclerosis 1 (TSC1). Identifiers: Orphanet 805, MedGen C1854465, MONDO:0008612, OMIM 191100.

Submissions (2):

Labcorp Genetics (formerly Invitae), Labcorp
Classification: Pathogenic for Tuberous sclerosis 1. Last evaluated: 2023-10-29. Review status: criteria provided, single submitter. Criteria: Invitae Variant Classification Sherloc (09022015). Collection method: clinical testing. Allele origin: germline.
Comment: This sequence change creates a premature translational stop signal (p.Gln851*) in the TSC1 gene. It is expected to result in an absent or disrupted protein product. Loss-of-function variants in TSC1 are known to be pathogenic (PMID: 10227394, 17304050). This variant is not present in population databases (gnomAD no frequency). This variant has not been reported in the literature in individuals affected with TSC1-related conditions. ClinVar contains an entry for this variant (Variation ID: 821464). For these reasons, this variant has been classified as Pathogenic.

Ambry Genetics
Classification: Pathogenic for Hereditary cancer-predisposing syndrome. Last evaluated: 2022-12-01. Review status: criteria provided, single submitter. Criteria: Ambry Variant Classification Scheme 2023. Collection method: clinical testing. Allele origin: germline.
Comment: The p.Q851* pathogenic mutation (also known as c.2551C>T), located in coding exon 18 of the TSC1 gene, results from a C to T substitution at nucleotide position 2551. This changes the amino acid from a glutamine to a stop codon within coding exon 18. This alteration is expected to result in loss of function by premature protein truncation or nonsense-mediated mRNA decay. As such, this alteration is interpreted as a disease-causing mutation.

Literature cited by the submitters: PubMed 10227394 (cited by Labcorp Genetics (formerly Invitae), Labcorp); PubMed 17304050 (cited by Labcorp Genetics (formerly Invitae), Labcorp).